The following is an entry in ClinVar:

ClinVar aggregate classification (germline): Uncertain significance (1 of 4 stars; one submission).

Conditions:
Charcot-Marie-Tooth disease type 2. Also called: Charcot-Marie-Tooth type 2. Identifiers: Orphanet 64746, MedGen C0270914, MONDO:0018993.

gnomAD v4.1: 1 of 1,609,924 alleles (0.000062%); no homozygotes.

Submission:

Labcorp Genetics (formerly Invitae), Labcorp
Classification: Uncertain significance for Charcot-Marie-Tooth disease type 2. Last evaluated: 2020-12-06. Review status: criteria provided, single submitter. Criteria: Invitae Variant Classification Sherloc (09022015). Collection method: clinical testing. Allele origin: germline.
Comment: This sequence change falls in intron 11 of the KIF1B gene. It does not directly change the encoded amino acid sequence of the KIF1B protein. It affects a nucleotide within the consensus splice site of the intron. This variant is not present in population databases (ExAC no frequency). In summary, the available evidence is currently insufficient to determine the role of this variant in disease. Therefore, it has been classified as a Variant of Uncertain Significance. Nucleotide substitutions within the consensus splice site are a relatively common cause of aberrant splicing (PMID: 17576681, 9536098). Algorithms developed to predict the effect of sequence changes on RNA splicing suggest that this variant is not likely to affect RNA splicing, but this prediction has not been confirmed by published transcriptional studies. This variant has not been reported in the literature in individuals with KIF1B-related conditions.

Literature cited by the submitters: PubMed 17576681; PubMed 9536098.

NM_001365951.3(KIF1B):c.1037+4C>T

Gene: KIF1B (kinesin family member 1B; plus strand). Cytogenetic location: 1p36.22.
Variant type: single nucleotide variant.
Coding change: c.1037+4C>T on transcript NM_001365951.3 (MANE Select); 4 bases into the intron after coding-DNA position 1037, C replaced by T.
Molecular consequence: intron variant.
Genome position (GRCh38, 1-based): chr1:10,276,403, C>T. VCF-style: chr1-10276403-C-T. GRCh37 (hg19) VCF-style: chr1-10336461-C-T.
Other names: c.1019+4C>T (NM_183416.4, NM_015074.3, NM_001365953.1); c.1037+4C>T (NM_001365952.1).
Identifiers: ClinVar variation 1496536 (VCV001496536.6), dbSNP rs2102222404, ClinGen allele CA2573130779.
Genomic context (GRCh38, chr1:10,276,403, plus strand): 5'-GGTTGCTGCTCTGAGCCCCGCGGATATCAACTACGATGAGACTTTGAGCACTCTGAGGTA[C>T]TTTCTTTTGATCTCAGTAACAACATAGACCACATTGCCATCAGAAGCCATTTTGTGATAC-3'